The following is an entry in ClinVar:

ClinVar aggregate classification (germline): Likely benign (1 of 4 stars; one submission).

Allele frequency attached by ClinVar (database versions not stated): ExAC 0.00003; gnomAD exomes 0.00004; gnomAD 0.00010; TOPMed 0.00011; ESP Exome Variant Server 0.00015.
gnomAD v4.1: 76 of 1,591,386 alleles (0.0048%); highest among the groups gnomAD compares: African/African-American, 0.03%; no homozygotes.

Submission:

CeGaT Center for Human Genetics Tuebingen
Classification: Likely benign. Last evaluated: 2024-02-01. Review status: criteria provided, single submitter. Criteria: CeGaT Center For Human Genetics Tuebingen Variant Classification Criteria Version 2. Collection method: clinical testing. Allele origin: germline. Affected: yes. Observed: 1 variant allele.
Comment: WWTR1: BP4, BP7

NM_015472.6(WWTR1):c.1026C>T (p.Asn342=)

Gene: WWTR1 (WW domain containing transcription regulator 1; minus strand). Cytogenetic location: 3q25.1.
Variant type: single nucleotide variant.
Coding change: c.1026C>T on transcript NM_015472.6 (MANE Select); coding-DNA position 1026, C replaced by T.
Protein change: p.Asn342=; no amino-acid change (asparagine 342 retained).
Molecular consequence: synonymous variant.
Genome position (GRCh38, 1-based): chr3:149,520,982, G>A on the plus strand (C>T on the coding strand, the complement: WWTR1 is on the minus strand). VCF-style: chr3-149520982-G-A. GRCh37 (hg19) VCF-style: chr3-149238769-G-A.
Other names: c.1026C>T, p.Asn342= (NM_001168278.3, NM_001168280.3, NM_001348362.2).
Identifiers: ClinVar variation 3025796 (VCV003025796.22), dbSNP rs144765569, ClinGen allele CA2662183.
Genomic context (GRCh38, chr3:149,520,982, plus strand): 5'-GTCAAGGAAATCAGGGAAACGGGTCTGTTGGGGATTGATGTTCATGGGTGTTTGTCCTGC[G>A]TTTTCTCCTATAACAAAATGAAAAGAAACCATTTTAATTCCTTCTTTTAGGCTCTTGAAG-3'
Protein context (NP_056287.1, residues 332-352): SNVDEMDTGE[Asn342=]AGQTPMNINP